The following is an entry in ClinVar:

NM_000257.4(MYH7):c.2424-1G>T

Genes: MYH7 (myosin heavy chain 7; minus strand), LOC126861898 (BRD4-independent group 4 enhancer GRCh37_chr14:23893609-23894808; plus strand). Cytogenetic location: 14q11.2.
Variant type: single nucleotide variant.
Coding change: c.2424-1G>T on transcript NM_000257.4 (MANE Select); the canonical splice acceptor site of the intron before coding-DNA position 2424, G replaced by T.
Molecular consequence: splice acceptor variant.
Genome position (GRCh38, 1-based): chr14:23,425,025, C>A on the plus strand (G>T on the coding strand, the complement: MYH7 is on the minus strand). VCF-style: chr14-23425025-C-A. GRCh37 (hg19) VCF-style: chr14-23894234-C-A.
Other names: c.2424-1G>T (NM_001407004.1).
Identifiers: ClinVar variation 919292 (VCV000919292.3), dbSNP rs1892639476, ClinGen allele CA389048439.

ClinVar aggregate classification (germline): Uncertain significance (1 of 4 stars; one submission).

Conditions:
Cardiomyopathy (CMYO). Also called: Cardiomyopathies. Identifiers: Orphanet 167848, MedGen C0878544, MONDO:0004994, HP:0001638. Inheritance: Various modes of inheritance.

Submission:

Color Diagnostics, LLC DBA Color Health
Classification: Uncertain significance for Cardiomyopathy. Last evaluated: 2019-01-14. Review status: criteria provided, single submitter. Criteria: ACMG Guidelines, 2015. Collection method: clinical testing. Allele origin: germline.
Comment: Variant of Uncertain Significance due to insufficient evidence: This variant alters the canonical splice acceptor site in intron 21 of the MYH7 gene. Computational splicing tools predict that this variant may disrupt splicing. To our knowledge, RNA study has not been performed to investigate the molecular impact of this variant. This variant has not been reported in individuals affected with cardiovascular disorders or in unaffected control individuals in the literature. This variant is rare in the general population and has been identified in 0/277264 chromosomes by the Genome Aggregation Database (gnomAD). Although this variant affects a canonical splice acceptor site, its molceular impact is not known. In addition, disease-causing variants in MYH7 are mostly missense variants that act in a dominant-negative manner. The role of MYH7 loss-of-function variants in cardiomyopathy is not clearly established. Available evidence is insufficient to determine the role of this variant in disease conclusively.